The following is an entry in ClinVar:

ClinVar aggregate classification (germline): Uncertain significance (1 of 4 stars; one submission).

Submission:

Labcorp Genetics (formerly Invitae), Labcorp
Classification: Uncertain significance. Last evaluated: 2025-03-03. Review status: criteria provided, single submitter. Criteria: Invitae Variant Classification Sherloc (09022015). Collection method: clinical testing. Allele origin: germline.
Comment: This sequence change replaces leucine, which is neutral and non-polar, with valine, which is neutral and non-polar, at codon 61 of the SCN3A protein (p.Leu61Val). This variant is not present in population databases (gnomAD no frequency). This variant has not been reported in the literature in individuals affected with SCN3A-related conditions. Invitae Evidence Modeling of protein sequence and biophysical properties (such as structural, functional, and spatial information, amino acid conservation, physicochemical variation, residue mobility, and thermodynamic stability) has been performed for this missense variant. However, the output from this modeling did not meet the statistical confidence thresholds required to predict the impact of this variant on SCN3A protein function. In summary, the available evidence is currently insufficient to determine the role of this variant in disease. Therefore, it has been classified as a Variant of Uncertain Significance.

NM_006922.4(SCN3A):c.181C>G (p.Leu61Val)

Gene: SCN3A (sodium voltage-gated channel alpha subunit 3; minus strand). Cytogenetic location: 2q24.3.
Variant type: single nucleotide variant.
Coding change: c.181C>G on transcript NM_006922.4 (MANE Select); coding-DNA position 181, C replaced by G.
Protein change: p.Leu61Val; replaces leucine 61 with valine.
Molecular consequence: missense variant.
Genome position (GRCh38, 1-based): chr2:165,176,214, G>C on the plus strand (C>G on the coding strand, the complement: SCN3A is on the minus strand). VCF-style: chr2-165176214-G-C. GRCh37 (hg19) VCF-style: chr2-166032724-G-C.
Other names: c.181C>G, p.Leu61Val (NM_001081676.2, NM_001081677.2); short protein forms L61V.
Identifiers: ClinVar variation 4745740 (VCV004745740.1).